The following is an entry in ClinVar:

ClinVar aggregate classification (germline): Likely benign (1 of 4 stars; one submission).

Allele frequency attached by ClinVar (database versions not stated): gnomAD exomes below 0.00001; ExAC 0.00001; gnomAD 0.00001; TOPMed 0.00001.
gnomAD v4.1: 4 of 1,613,790 alleles (0.00025%); highest among the groups gnomAD compares: Admixed American, 0.0017%; no homozygotes.

Submission:

CeGaT Center for Human Genetics Tuebingen
Classification: Likely benign. Last evaluated: 2022-03-01. Review status: criteria provided, single submitter. Criteria: CeGaT Center For Human Genetics Tuebingen Variant Classification Criteria Version 2. Collection method: clinical testing. Allele origin: germline. Affected: yes. Observed: 1 variant allele.
Comment: NID1: BP4, BP7

NM_002508.3(NID1):c.873T>C (p.Asp291=)

Gene: NID1 (nidogen 1; minus strand). Cytogenetic location: 1q42.3.
Variant type: single nucleotide variant.
Coding change: c.873T>C on transcript NM_002508.3 (MANE Select); coding-DNA position 873, T replaced by C.
Protein change: p.Asp291=; no amino-acid change (aspartic acid 291 retained).
Molecular consequence: synonymous variant.
Genome position (GRCh38, 1-based): chr1:236,042,172, A>G on the plus strand (T>C on the coding strand, the complement: NID1 is on the minus strand). VCF-style: chr1-236042172-A-G. GRCh37 (hg19) VCF-style: chr1-236205472-A-G.
Identifiers: ClinVar variation 2640102 (VCV002640102.24), dbSNP rs749005746, ClinGen allele CA1468758.